The following is an entry in ClinVar:

Single allele

Variant type: Deletion.
Identifiers: ClinVar variation 156876 (VCV000156876.2).

ClinVar aggregate classification (germline): not provided (0 of 4 stars; one submission).

Conditions:
Gestational diabetes mellitus uncontrolled. Identifiers: MedGen C3532257.

Submission:

Institute of Molecular and Cell Biology, University of Tartu
No classification provided. Condition: Gestational diabetes mellitus uncontrolled. Review status: no classification provided. Collection method: case-control. Allele origin: unknown. Affected: yes. Study: Kasak2014.
Comment: The study aimed to determine the contribution of copy number variants in the genetic etiology of normal and complicated pregnancies. The samples represented (i) maternal blood DNA drawn from healthy pregnant women during 1st or 2nd trimester and (ii) maternal and paternal blood DNA drawn at term pregnancy cases representing normal and complicated gestations (severe preeclampsia, PE; gestational diabetes, GD; small-for-gestational age newborn, SGA; large-for-gestational age newborn, LGA). We performed CNV calling based on genome-wide genotyping dataset (Illumina HumanOmniExpress-24-v1 BeadChip) by applying three algorithms, QuantiSNP, GADA (Genome Alteration Detection Algorithm) and CNstream in parallel. The acquired CNV calls were merged with HD-CNV (Hotspot Detector for Copy Number Variants) program and only the CNVs predicted by at least two programs, were considered in subsequent analysis.

Literature cited by the submitters: PubMed 25666259.